The following is an entry in ClinVar:

ClinVar aggregate classification (germline): Likely benign (1 of 4 stars; one submission).

Submission:

CeGaT Center for Human Genetics Tuebingen
Classification: Likely benign. Last evaluated: 2023-08-01. Review status: criteria provided, single submitter. Criteria: CeGaT Center For Human Genetics Tuebingen Variant Classification Criteria Version 2. Collection method: clinical testing. Allele origin: germline. Affected: yes. Observed: 1 variant allele.
Comment: MUC16: PM2:Supporting, BP4, BP7

NM_001401501.2(MUC16):c.31053C>G (p.Gly10351=)

Gene: MUC16 (mucin 16, cell surface associated; minus strand). Cytogenetic location: 19p13.2.
Variant type: single nucleotide variant.
Coding change: c.31053C>G on transcript NM_001401501.2 (MANE Select); coding-DNA position 31053, C replaced by G.
Protein change: p.Gly10351=; no amino-acid change (glycine 10351 retained).
Molecular consequence: synonymous variant.
Genome position (GRCh38, 1-based): chr19:8,945,837, G>C on the plus strand (C>G on the coding strand, the complement: MUC16 is on the minus strand). VCF-style: chr19-8945837-G-C. GRCh37 (hg19) VCF-style: chr19-9056513-G-C.
Other names: c.31479C>G, p.Gly10493= (NM_001414686.1); c.30933C>G, p.Gly10311= (NM_001414687.1, NM_024690.2).
Identifiers: ClinVar variation 2649238 (VCV002649238.24), dbSNP rs553859469, ClinGen allele CA505436448.
Genomic context (GRCh38, chr19:8,945,837, plus strand): 5'-TGGCACAGGAGTGGATGAAGGCAGGCTCTCTGCAATGGTGGACAGAGTAGCATCCCCAGG[G>C]CCTGACTCTGTCCTAGAGAATGGACTACCTGAACCTGAGATGGCTCGTGGAACTCCAGTG-3'
Protein context (NP_001388430.1, residues 10341-10361): SGSPFSRTES[Gly10351=]PGDATLSTIA